The following is an entry in ClinVar:

ClinVar aggregate classification (germline): Uncertain significance. Review status: criteria provided, multiple submitters, no conflicts (2 of 4 stars). 3 submissions from 3 submitters: Uncertain significance (3). Last evaluated 2025-03-07.

Conditions:
Inborn genetic diseases. Identifiers: MedGen C0950123, MeSH D030342.

Allele frequency attached by ClinVar (database versions not stated): TOPMed below 0.00001; gnomAD exomes 0.00001.
gnomAD v4.1: 13 of 1,613,986 alleles (0.00081%); highest among the groups gnomAD compares: South Asian, 0.0011%; no homozygotes.

Submissions (3):

Ambry Genetics
Classification: Uncertain significance for Inborn genetic diseases. Last evaluated: 2025-03-07. Review status: criteria provided, single submitter. Criteria: Ambry Variant Classification Scheme 2023. Collection method: clinical testing. Allele origin: germline.

Labcorp Genetics (formerly Invitae), Labcorp
Classification: Uncertain significance. Last evaluated: 2024-02-23. Review status: criteria provided, single submitter. Criteria: Invitae Variant Classification Sherloc (09022015). Collection method: clinical testing. Allele origin: germline.
Comment: This sequence change replaces serine, which is neutral and polar, with phenylalanine, which is neutral and non-polar, at codon 212 of the NR2E3 protein (p.Ser212Phe). This variant is present in population databases (no rsID available, gnomAD 0.003%). This variant has not been reported in the literature in individuals affected with NR2E3-related conditions. ClinVar contains an entry for this variant (Variation ID: 1379212). Advanced modeling of protein sequence and biophysical properties (such as structural, functional, and spatial information, amino acid conservation, physicochemical variation, residue mobility, and thermodynamic stability) performed at Invitae indicates that this missense variant is not expected to disrupt NR2E3 protein function with a negative predictive value of 80%. In summary, the available evidence is currently insufficient to determine the role of this variant in disease. Therefore, it has been classified as a Variant of Uncertain Significance.

Blueprint Genetics
Classification: Uncertain significance. Last evaluated: 2020-11-26. Review status: criteria provided, single submitter. Criteria: ACMG Guidelines, 2015. Collection method: clinical testing. Allele origin: germline.

NM_014249.4(NR2E3):c.635C>T (p.Ser212Phe)

Gene: NR2E3 (nuclear receptor subfamily 2 group E member 3; plus strand). Cytogenetic location: 15q23.
Variant type: single nucleotide variant.
Coding change: c.635C>T on transcript NM_014249.4 (MANE Select); coding-DNA position 635, C replaced by T.
Protein change: p.Ser212Phe; replaces serine 212 with phenylalanine.
Molecular consequence: missense variant.
Genome position (GRCh38, 1-based): chr15:71,812,399, C>T. VCF-style: chr15-71812399-C-T. GRCh37 (hg19) VCF-style: chr15-72104739-C-T.
Other names: c.635C>T, p.Ser212Phe (NM_016346.4); c.635C>T (NM_014249.2); short protein forms S212F.
Identifiers: ClinVar variation 1379212 (VCV001379212.7), dbSNP rs1052624628, ClinGen allele CA272575316.